The following is an entry in ClinVar:

NM_014727.3(KMT2B):c.3529-10C>G

Gene: KMT2B (lysine methyltransferase 2B; plus strand). Cytogenetic location: 19q13.12.
Variant type: single nucleotide variant.
Coding change: c.3529-10C>G on transcript NM_014727.3 (MANE Select); 10 bases into the intron before coding-DNA position 3529, C replaced by G.
Molecular consequence: intron variant.
Genome position (GRCh38, 1-based): chr19:35,725,210, C>G. VCF-style: chr19-35725210-C-G. GRCh37 (hg19) VCF-style: chr19-36216111-C-G.
Identifiers: ClinVar variation 3044131 (VCV003044131.2), dbSNP rs1302665067, ClinGen allele CA881809157.
Genomic context (GRCh38, chr19:35,725,210, plus strand): 5'-ATCGAGAAGCCAGGTGGGTCTGCCTTGTATGCCTGGCGGCCCTCTGATCCTGCATCCTCT[C>G]TTCCCCCAGGAGGATTGTGATTTAGAGAACGTGTGGCTGATGGGGGGCCTGAGTGTGCTC-3'

ClinVar aggregate classification (germline): Likely benign (0 of 4 stars; one submission).

Conditions:
KMT2B-related disorder. Also called: KMT2B-related condition; KMT2B-related disorders. Identifiers: MedGen CN381338.

Allele frequency attached by ClinVar (database versions not stated): TOPMed below 0.00001.
gnomAD v4.1: 1 of 1,609,788 alleles (0.000062%); highest among the groups gnomAD compares: African/African-American, 0.0013%; no homozygotes.

Submission:

PreventionGenetics, part of Exact Sciences
Classification: Likely benign for KMT2B-related condition. Last evaluated: 2019-06-06. Review status: no assertion criteria provided. Collection method: clinical testing. Allele origin: germline.
Comment: This variant is classified as likely benign based on ACMG/AMP sequence variant interpretation guidelines (Richards et al. 2015 PMID: 25741868, with internal and published modifications).